The following is an entry in ClinVar:

ClinVar aggregate classification (germline): Pathogenic/Likely pathogenic. Review status: criteria provided, multiple submitters, no conflicts (2 of 4 stars). 7 submissions from 7 submitters: Pathogenic (5); Likely pathogenic (1). 1 of the submissions does not count toward it. Last evaluated 2026-01-11.

Conditions:
ACAD9-related disorder. Also called: ACAD9-related condition.
Acyl-CoA dehydrogenase 9 deficiency. Also called: Acyl-CoA dehydrogenase family, member 9, deficiency of; MITOCHONDRIAL COMPLEX I DEFICIENCY, NUCLEAR TYPE 20. Identifiers: Orphanet 99901, MedGen C4747517, MONDO:0012624, OMIM 611126.

Allele frequency attached by ClinVar (database versions not stated): gnomAD 0.00001; gnomAD exomes 0.00001; ExAC 0.00002; TOPMed 0.00001.
gnomAD v4.1: 21 of 1,613,990 alleles (0.0013%); highest among the groups gnomAD compares: South Asian, 0.0033%; no homozygotes.

Submissions (7):

Labcorp Genetics (formerly Invitae), Labcorp
Classification: Pathogenic. Last evaluated: 2026-01-11. Review status: criteria provided, single submitter. Criteria: Invitae Variant Classification Sherloc (09022015). Collection method: clinical testing. Allele origin: germline.
Comment: This sequence change replaces arginine, which is basic and polar, with glutamine, which is neutral and polar, at codon 266 of the ACAD9 protein (p.Arg266Gln). This variant is present in population databases (rs387907042, gnomAD 0.003%). This missense change has been observed in individual(s) with ACAD9-related conditions (PMID: 21057504, 30025539, 31665838, 32313153). In at least one individual the data is consistent with being in trans (on the opposite chromosome) from a pathogenic variant. It has also been observed to segregate with disease in related individuals. ClinVar contains an entry for this variant (Variation ID: 30882). Invitae Evidence Modeling of protein sequence and biophysical properties (such as structural, functional, and spatial information, amino acid conservation, physicochemical variation, residue mobility, and thermodynamic stability) indicates that this missense variant is expected to disrupt ACAD9 protein function with a positive predictive value of 80%. Experimental studies have shown that this missense change affects ACAD9 function (PMID: 25721401). For these reasons, this variant has been classified as Pathogenic.

Natera, Inc.
Classification: Pathogenic for ACAD9 deficiency. Last evaluated: 2025-04-28. Review status: criteria provided, single submitter. Criteria: Natera Variant Classification Schema (03/2026). Collection method: clinical testing. Allele origin: germline.
Comment: The c.797G>A variant in ACAD9 is a missense variant predicted to cause substitution of arginine to glutamine at amino acid 266. This variant is rare in the general population with a frequency below the threshold expected for the associated phenotype(s). This variant has been observed in one or more individuals affected with the associated recessive disease, as either homozygous or compound heterozygous with a second variant (PMID: 30025539, 21057504). Additionally, this variant has been observed to segregate in affected family members (PMID: 21057504). A different variant at the same position has been determined to be Pathogenic or Likely Pathogenic. Computational prediction algorithms indicate this variant is likely to affect gene or protein function. Given the available evidence, this variant is classified as Pathogenic.

GeneDx
Classification: Likely pathogenic. Last evaluated: 2024-01-24. Review status: criteria provided, single submitter. Criteria: GeneDx Variant Classification Process June 2021. Collection method: clinical testing. Allele origin: germline. Affected: yes.
Comment: Published functional studies demonstrate a damaging effect of significantly reduced ACAD9 enzyme activity compared to wild-type (PMID: 25721401); Not observed at significant frequency in large population cohorts (gnomAD); This variant is associated with the following publications: (PMID: 31665838, 31589614, 30025539, 32313153, 21057504, 37066920, 25721401)

Fulgent Genetics
Classification: Pathogenic for Acyl-CoA dehydrogenase 9 deficiency. Last evaluated: 2022-03-23. Review status: criteria provided, single submitter. Criteria: ACMG Guidelines, 2015. Collection method: clinical testing. Allele origin: unknown.

Blueprint Genetics
Classification: Pathogenic for ACAD9-related disorders. Last evaluated: 2022-02-22. Review status: criteria provided, single submitter. Criteria: ACMG Guidelines, 2015. Collection method: clinical testing. Allele origin: germline. Affected: yes. Observed: 1 variant allele.

Kids Research, The Children's Hospital at Westmead
Classification: Pathogenic for Acyl-CoA dehydrogenase 9 deficiency. Review status: criteria provided, single submitter. Criteria: ACMG Guidelines, 2015. Collection method: research. Allele origin: inherited. Inheritance: Autosomal recessive inheritance. Affected: yes.

OMIM
Classification: Pathogenic for MITOCHONDRIAL COMPLEX I DEFICIENCY, NUCLEAR TYPE 20. Last evaluated: 2010-12-01. Review status: no assertion criteria provided. Collection method: literature only. Allele origin: germline. Not counted in ClinVar's aggregate classification.

Literature cited by the submitters: PubMed 21057504 (cited by 3 submitters); PubMed 30025539 (cited by Labcorp Genetics (formerly Invitae), Labcorp and Natera, Inc.); PubMed 31665838 (cited by Labcorp Genetics (formerly Invitae), Labcorp); PubMed 32313153 (cited by Labcorp Genetics (formerly Invitae), Labcorp and Kids Research, The Children's Hospital at Westmead); PubMed 25721401 (cited by Labcorp Genetics (formerly Invitae), Labcorp).

NM_014049.5(ACAD9):c.797G>A (p.Arg266Gln)

Gene: ACAD9 (acyl-CoA dehydrogenase family member 9; plus strand). Cytogenetic location: 3q21.3.
Variant type: single nucleotide variant.
Coding change: c.797G>A on transcript NM_014049.5 (MANE Select); coding-DNA position 797, G replaced by A.
Protein change: p.Arg266Gln; replaces arginine 266 with glutamine.
Molecular consequence: missense variant. On other transcripts: non-coding transcript variant (1).
Genome position (GRCh38, 1-based): chr3:128,899,450, G>A. VCF-style: chr3-128899450-G-A. GRCh37 (hg19) VCF-style: chr3-128618293-G-A.
Other names: short protein forms R266Q.
Identifiers: ClinVar variation 30882 (VCV000030882.15), dbSNP rs387907042, ClinGen allele CA129518.